The following is an entry in ClinVar:

NM_006946.4(SPTBN2):c.1073A>G (p.Lys358Arg)

Gene: SPTBN2 (spectrin beta, non-erythrocytic 2; minus strand). Cytogenetic location: 11q13.2.
Variant type: single nucleotide variant.
Coding change: c.1073A>G on transcript NM_006946.4 (MANE Select); coding-DNA position 1073, A replaced by G.
Protein change: p.Lys358Arg; replaces lysine 358 with arginine.
Molecular consequence: missense variant.
Genome position (GRCh38, 1-based): chr11:66,710,582, T>C on the plus strand (A>G on the coding strand, the complement: SPTBN2 is on the minus strand). VCF-style: chr11-66710582-T-C. GRCh37 (hg19) VCF-style: chr11-66478053-T-C.
Other names: c.1094A>G, p.Lys365Arg (NM_001411025.1); short protein forms K358R, K365R.
Identifiers: ClinVar variation 3571946 (VCV003571946.1).
Genomic context (GRCh38, chr11:66,710,582, plus strand): 5'-TTTAGGCTTCCTCTCGTGGGAGCACAGCTCAGGGAAGGGTGGGGCCCCAGGGACACCTAC[T>C]TGGGCGGCTTCTCCACGGTGCGGTAGGAGTTGAAGGACTGCAGCTGGTTCTGGACCCCGC-3'
Protein context (NP_008877.2, residues 348-368): NSYRTVEKPP[Lys358Arg]FTEKGNLEVL

ClinVar aggregate classification (germline): Uncertain significance (1 of 4 stars; one submission).

gnomAD v4.1: 4 of 1,613,474 alleles (0.00025%); highest among the groups gnomAD compares: Non-Finnish European, 0.00025%; no homozygotes.

Submission:

Athena Diagnostics
Classification: Uncertain significance. Last evaluated: 2024-04-03. Review status: criteria provided, single submitter. Criteria: Athena Diagnostics Criteria. Collection method: clinical testing. Allele origin: unknown.
Comment: Available data are insufficient to determine the clinical significance of the variant at this time. The frequency of this variant in the general population is uninformative in assessment of its pathogenicity. Computational tools predict that this variant is damaging.